The following is an entry in ClinVar:

ClinVar aggregate classification (germline): Uncertain significance (1 of 4 stars; one submission).

Conditions:
MEGF10-related myopathy (CMYO10A). Also called: Congenital myopathy 10A, severe variant. Identifiers: Orphanet 439212, MedGen C3280679, MONDO:0013731, OMIM 614399.

Allele frequency attached by ClinVar (database versions not stated): gnomAD exomes below 0.00001.
gnomAD v4.1: 2 of 1,613,982 alleles (0.00012%); highest among the groups gnomAD compares: Non-Finnish European, 0.00017%; no homozygotes.

Submission:

Labcorp Genetics (formerly Invitae), Labcorp
Classification: Uncertain significance for MEGF10-related myopathy. Last evaluated: 2020-12-18. Review status: criteria provided, single submitter. Criteria: Invitae Variant Classification Sherloc (09022015). Collection method: clinical testing. Allele origin: germline.
Comment: In summary, the available evidence is currently insufficient to determine the role of this variant in disease. Therefore, it has been classified as a Variant of Uncertain Significance. Algorithms developed to predict the effect of missense changes on protein structure and function (SIFT, PolyPhen-2, Align-GVGD) all suggest that this variant is likely to be disruptive, but these predictions have not been confirmed by published functional studies and their clinical significance is uncertain. This variant has not been reported in the literature in individuals with MEGF10-related disease. This variant is not present in population databases (ExAC no frequency). This sequence change replaces proline with leucine at codon 637 of the MEGF10 protein (p.Pro637Leu). The proline residue is highly conserved and there is a moderate physicochemical difference between proline and leucine.

NM_001256545.2(MEGF10):c.1910C>T (p.Pro637Leu)

Gene: MEGF10 (multiple EGF like domains 10; plus strand). Cytogenetic location: 5q23.2.
Variant type: single nucleotide variant.
Coding change: c.1910C>T on transcript NM_001256545.2 (MANE Select); coding-DNA position 1910, C replaced by T.
Protein change: p.Pro637Leu; replaces proline 637 with leucine.
Molecular consequence: missense variant.
Genome position (GRCh38, 1-based): chr5:127,434,756, C>T. VCF-style: chr5-127434756-C-T. GRCh37 (hg19) VCF-style: chr5-126770448-C-T.
Other names: c.1910C>T, p.Pro637Leu (NM_032446.3); short protein forms P637L.
Identifiers: ClinVar variation 663355 (VCV000663355.9), dbSNP rs1580866586, ClinGen allele CA360732305.